The following is an entry in ClinVar:

NM_018896.5(CACNA1G):c.6178G>T (p.Ala2060Ser)

Gene: CACNA1G (calcium voltage-gated channel subunit alpha1 G; plus strand). Cytogenetic location: 17q21.33.
Variant type: single nucleotide variant.
Coding change: c.6178G>T on transcript NM_018896.5 (MANE Select); coding-DNA position 6178, G replaced by T.
Protein change: p.Ala2060Ser; replaces alanine 2060 with serine.
Molecular consequence: missense variant. On other transcripts: non-coding transcript variant (5).
Genome position (GRCh38, 1-based): chr17:50,624,024, G>T. VCF-style: chr17-50624024-G-T. GRCh37 (hg19) VCF-style: chr17-48701385-G-T.
Other names: c.5989G>T, p.Ala1997Ser (NM_001256324.2); c.5920G>T, p.Ala1974Ser (NM_001256325.2); c.5908G>T, p.Ala1970Ser (NM_001256326.2); c.5878G>T, p.Ala1960Ser (NM_001256327.2); c.5824G>T, p.Ala1942Ser (NM_001256328.2); c.5797G>T, p.Ala1933Ser (NM_001256329.2, NM_198376.3, NM_198387.3); c.5764G>T, p.Ala1922Ser (NM_001256330.2); c.5743G>T, p.Ala1915Ser (NM_001256331.2); and 15 more; short protein forms A1910S, A1915S, A1922S, A1926S, A1929S, A1931S, A1933S, A1940S.
Identifiers: ClinVar variation 3600584 (VCV003600584.1).

ClinVar aggregate classification (germline): Uncertain significance (1 of 4 stars; one submission).

Submission:

GeneDx
Classification: Uncertain significance. Last evaluated: 2024-07-25. Review status: criteria provided, single submitter. Criteria: GeneDx Variant Classification Process June 2021. Collection method: clinical testing. Allele origin: germline. Affected: yes.
Comment: Not observed at significant frequency in large population cohorts (gnomAD); In silico analysis indicates that this missense variant does not alter protein structure/function; Has not been previously published as pathogenic or benign to our knowledge